The following is an entry in ClinVar:

ClinVar aggregate classification (germline): Likely benign (1 of 4 stars; one submission).

Conditions:
Colorectal cancer, susceptibility to, 1. Also called: COLORECTAL ADENOMA AND CANCER, SUSCEPTIBILITY TO; COLORECTAL CANCER, SUSCEPTIBILITY TO, ON CHROMOSOME 9. Identifiers: MedGen C1837315, MONDO:0012132, OMIM 608812.

Submission:

Myriad Genetics, Inc.
Classification: Likely benign for Colorectal cancer, susceptibility to, 1. Last evaluated: 2026-04-21. Review status: criteria provided, single submitter. Criteria: Myriad Autosomal Dominant, Autosomal Recessive and X-Linked Classification Criteria (2023). Collection method: clinical testing. Allele origin: unknown.
Comment: This variant is considered likely benign. This variant is intronic and is not expected to impact mRNA splicing.

NM_024642.5(GALNT12):c.918-13C>T

Gene: GALNT12 (polypeptide N-acetylgalactosaminyltransferase 12; plus strand). Cytogenetic location: 9q22.33.
Variant type: single nucleotide variant.
Coding change: c.918-13C>T on transcript NM_024642.5 (MANE Select); 13 bases into the intron before coding-DNA position 918, C replaced by T.
Molecular consequence: intron variant.
Genome position (GRCh38, 1-based): chr9:98,835,236, C>T. VCF-style: chr9-98835236-C-T. GRCh37 (hg19) VCF-style: chr9-101597518-C-T.
Identifiers: ClinVar variation 4875762 (VCV004875762.1).